The following is an entry in ClinVar:

ClinVar aggregate classification (germline): Uncertain significance (1 of 4 stars; one submission).

Allele frequency attached by ClinVar (database versions not stated): gnomAD exomes below 0.00001; TOPMed below 0.00001.

Submission:

Labcorp Genetics (formerly Invitae), Labcorp
Classification: Uncertain significance. Last evaluated: 2021-10-28. Review status: criteria provided, single submitter. Criteria: Invitae Variant Classification Sherloc (09022015). Collection method: clinical testing. Allele origin: germline.
Comment: This sequence change replaces glycine, which is neutral and non-polar, with aspartic acid, which is acidic and polar, at codon 210 of the IL6R protein (p.Gly210Asp). This variant is not present in population databases (gnomAD no frequency). This variant has not been reported in the literature in individuals affected with IL6R-related conditions. Algorithms developed to predict the effect of missense changes on protein structure and function are either unavailable or do not agree on the potential impact of this missense change (SIFT: "Tolerated"; PolyPhen-2: "Probably Damaging"; Align-GVGD: "Class C0"). In summary, the available evidence is currently insufficient to determine the role of this variant in disease. Therefore, it has been classified as a Variant of Uncertain Significance.

NM_000565.4(IL6R):c.629G>A (p.Gly210Asp)

Gene: IL6R (interleukin 6 receptor; plus strand). Cytogenetic location: 1q21.3.
Variant type: single nucleotide variant.
Coding change: c.629G>A on transcript NM_000565.4 (MANE Select); coding-DNA position 629, G replaced by A.
Protein change: p.Gly210Asp; replaces glycine 210 with aspartic acid.
Molecular consequence: missense variant.
Genome position (GRCh38, 1-based): chr1:154,434,689, G>A. VCF-style: chr1-154434689-G-A. GRCh37 (hg19) VCF-style: chr1-154407165-G-A.
Other names: c.629G>A, p.Gly210Asp (NM_001206866.2, NM_001382769.1, NM_001382770.1 and 4 more transcripts); c.269G>A, p.Gly90Asp (NM_001382774.1); short protein forms G210D, G90D.
Identifiers: ClinVar variation 1351634 (VCV001351634.6), dbSNP rs1198600161, ClinGen allele CA342611885.
Genomic context (GRCh38, chr1:154,434,689, plus strand): 5'-TGTCCATGTGCGTCGCCAGTAGTGTCGGGAGCAAGTTCAGCAAAACTCAAACCTTTCAGG[G>A]TTGTGGAATCTGTACGTAAGCTCTAACCCCCTCTCCAGCAGTTTCCTTCTCTTTTGATTT-3'
Protein context (NP_000556.1, residues 200-220): SKFSKTQTFQ[Gly210Asp]CGILQPDPPA